The following is an entry in ClinVar:

NM_004369.4(COL6A3):c.8801T>G (p.Val2934Gly)

Gene: COL6A3 (collagen type VI alpha 3 chain; minus strand). Cytogenetic location: 2q37.3.
Variant type: single nucleotide variant.
Coding change: c.8801T>G on transcript NM_004369.4 (MANE Select); coding-DNA position 8801, T replaced by G.
Protein change: p.Val2934Gly; replaces valine 2934 with glycine.
Molecular consequence: missense variant.
Genome position (GRCh38, 1-based): chr2:237,336,299, A>C on the plus strand (T>G on the coding strand, the complement: COL6A3 is on the minus strand). VCF-style: chr2-237336299-A-C. GRCh37 (hg19) VCF-style: chr2-238244942-A-C.
Other names: c.6980T>G, p.Val2327Gly (NM_057166.5); c.8183T>G, p.Val2728Gly (NM_057167.4); short protein forms V2934G, V2327G, V2728G.
Identifiers: ClinVar variation 1504809 (VCV001504809.6), dbSNP rs1440572476, ClinGen allele CA351191508.

ClinVar aggregate classification (germline): Uncertain significance (1 of 4 stars; one submission).

Conditions:
Bethlem myopathy 1A. Also called: Bethlem myopathy 1; Bethlem Muscular Dystrophy; MYOPATHY, BENIGN CONGENITAL, WITH CONTRACTURES. Identifiers: Orphanet 610, MedGen CN029274, MONDO:0024530, OMIM 158810.

Allele frequency attached by ClinVar (database versions not stated): gnomAD exomes below 0.00001; TOPMed below 0.00001.
gnomAD v4.1: 1 of 1,613,272 alleles (0.000062%); highest among the groups gnomAD compares: Admixed American, 0.0017%; no homozygotes.

Submission:

Labcorp Genetics (formerly Invitae), Labcorp
Classification: Uncertain significance for Bethlem myopathy 1A. Last evaluated: 2021-12-03. Review status: criteria provided, single submitter. Criteria: Invitae Variant Classification Sherloc (09022015). Collection method: clinical testing. Allele origin: germline.
Comment: This sequence change replaces valine, which is neutral and non-polar, with glycine, which is neutral and non-polar, at codon 2934 of the COL6A3 protein (p.Val2934Gly). This variant is present in population databases (no rsID available, gnomAD 0.003%). This variant has not been reported in the literature in individuals affected with COL6A3-related conditions. Advanced modeling of protein sequence and biophysical properties (such as structural, functional, and spatial information, amino acid conservation, physicochemical variation, residue mobility, and thermodynamic stability) performed at Invitae indicates that this missense variant is not expected to disrupt COL6A3 protein function. In summary, the available evidence is currently insufficient to determine the role of this variant in disease. Therefore, it has been classified as a Variant of Uncertain Significance.